The following is an entry in ClinVar:

ClinVar aggregate classification (germline): Uncertain significance (1 of 4 stars; one submission).

gnomAD v4.1: 1 of 1,551,684 alleles (0.000064%); highest among the groups gnomAD compares: Non-Finnish European, 0.000087%; no homozygotes.

Submission:

Labcorp Genetics (formerly Invitae), Labcorp
Classification: Uncertain significance. Last evaluated: 2022-12-02. Review status: criteria provided, single submitter. Criteria: Invitae Variant Classification Sherloc (09022015). Collection method: clinical testing. Allele origin: germline.
Comment: This sequence change replaces threonine, which is neutral and polar, with arginine, which is basic and polar, at codon 57 of the KPNA7 protein (p.Thr57Arg). This variant is not present in population databases (gnomAD no frequency). In summary, the available evidence is currently insufficient to determine the role of this variant in disease. Therefore, it has been classified as a Variant of Uncertain Significance. Advanced modeling of protein sequence and biophysical properties (such as structural, functional, and spatial information, amino acid conservation, physicochemical variation, residue mobility, and thermodynamic stability) performed at Invitae indicates that this missense variant is not expected to disrupt KPNA7 protein function. ClinVar contains an entry for this variant (Variation ID: 1404150). This variant has not been reported in the literature in individuals affected with KPNA7-related conditions.

NM_001145715.3(KPNA7):c.170C>G (p.Thr57Arg)

Gene: KPNA7 (karyopherin subunit alpha 7; minus strand). Cytogenetic location: 7q22.1.
Variant type: single nucleotide variant.
Coding change: c.170C>G on transcript NM_001145715.3 (MANE Select); coding-DNA position 170, C replaced by G.
Protein change: p.Thr57Arg; replaces threonine 57 with arginine.
Molecular consequence: missense variant.
Genome position (GRCh38, 1-based): chr7:99,203,137, G>C on the plus strand (C>G on the coding strand, the complement: KPNA7 is on the minus strand). VCF-style: chr7-99203137-G-C. GRCh37 (hg19) VCF-style: chr7-98800760-G-C.
Other names: short protein forms T57R.
Identifiers: ClinVar variation 1404150 (VCV001404150.6), dbSNP rs1240371179, ClinGen allele CA368421156.